The following is an entry in ClinVar:

NM_152393.4(KLHL40):c.1372C>G (p.Leu458Val)

Gene: KLHL40 (kelch like family member 40; plus strand). Cytogenetic location: 3p22.1.
Variant type: single nucleotide variant.
Coding change: c.1372C>G on transcript NM_152393.4 (MANE Select); coding-DNA position 1372, C replaced by G.
Protein change: p.Leu458Val; replaces leucine 458 with valine.
Molecular consequence: missense variant.
Genome position (GRCh38, 1-based): chr3:42,688,668, C>G. VCF-style: chr3-42688668-C-G. GRCh37 (hg19) VCF-style: chr3-42730160-C-G.
Other names: c.1372C>G (NM_152393.2); short protein forms L458V.
Identifiers: ClinVar variation 2579511 (VCV002579511.2), dbSNP rs2471311587, ClinGen allele CA352293860.

ClinVar aggregate classification (germline): Uncertain significance. Review status: criteria provided, multiple submitters, no conflicts (2 of 4 stars). 2 submissions from 2 submitters: Uncertain significance (2). Last evaluated 2024-11-26.

Conditions:
Inborn genetic diseases. Identifiers: MedGen C0950123, MeSH D030342.

Allele frequency attached by ClinVar (database versions not stated): gnomAD exomes below 0.00001.
gnomAD v4.1: 4 of 1,614,028 alleles (0.00025%); highest among the groups gnomAD compares: Non-Finnish European, 0.00034%; no homozygotes.

Submissions (2):

Ambry Genetics
Classification: Uncertain significance for Inborn genetic diseases. Last evaluated: 2024-11-26. Review status: criteria provided, single submitter. Criteria: Ambry Variant Classification Scheme 2023. Collection method: clinical testing. Allele origin: germline.

GeneDx
Classification: Uncertain significance. Last evaluated: 2023-03-07. Review status: criteria provided, single submitter. Criteria: GeneDx Variant Classification Process June 2021. Collection method: clinical testing. Allele origin: germline. Affected: yes.
Comment: Not observed at significant frequency in large population cohorts (gnomAD); In silico analysis supports that this missense variant does not alter protein structure/function; Has not been previously published as pathogenic or benign to our knowledge